The following is an entry in ClinVar:

NM_004859.4(CLTC):c.4147A>G (p.Thr1383Ala)

Genes: CLTC (clathrin heavy chain; plus strand), LOC126862609 (CDK7 strongly-dependent group 2 enhancer GRCh37_chr17:57760547-57761746; plus strand). Cytogenetic location: 17q23.1.
Variant type: single nucleotide variant.
Coding change: c.4147A>G on transcript NM_004859.4 (MANE Select); coding-DNA position 4147, A replaced by G.
Protein change: p.Thr1383Ala; replaces threonine 1383 with alanine.
Molecular consequence: missense variant.
Genome position (GRCh38, 1-based): chr17:59,683,492, A>G. VCF-style: chr17-59683492-A-G. GRCh37 (hg19) VCF-style: chr17-57760853-A-G.
Other names: c.4159A>G, p.Thr1387Ala (NM_001288653.2); short protein forms T1383A, T1387A.
Identifiers: ClinVar variation 2968764 (VCV002968764.3), dbSNP rs1489474572, ClinGen allele CA400420687.

ClinVar aggregate classification (germline): Uncertain significance (1 of 4 stars; one submission).

Allele frequency attached by ClinVar (database versions not stated): TOPMed below 0.00001; gnomAD exomes 0.00001.
gnomAD v4.1: 7 of 1,614,068 alleles (0.00043%); highest among the groups gnomAD compares: Admixed American, 0.0033%; no homozygotes.

Submission:

Labcorp Genetics (formerly Invitae), Labcorp
Classification: Uncertain significance. Last evaluated: 2023-10-12. Review status: criteria provided, single submitter. Criteria: Invitae Variant Classification Sherloc (09022015). Collection method: clinical testing. Allele origin: germline.
Comment: This sequence change replaces threonine, which is neutral and polar, with alanine, which is neutral and non-polar, at codon 1387 of the CLTC protein (p.Thr1387Ala). This variant is present in population databases (no rsID available, gnomAD 0.003%). This variant has not been reported in the literature in individuals affected with CLTC-related conditions. Advanced modeling of protein sequence and biophysical properties (such as structural, functional, and spatial information, amino acid conservation, physicochemical variation, residue mobility, and thermodynamic stability) performed at Invitae indicates that this missense variant is not expected to disrupt CLTC protein function. In summary, the available evidence is currently insufficient to determine the role of this variant in disease. Therefore, it has been classified as a Variant of Uncertain Significance.